The following is an entry in ClinVar:

ClinVar aggregate classification (germline): Likely benign (1 of 4 stars; one submission).

Conditions:
TJP2-related disorder. Also called: TJP2-related condition.

gnomAD v4.1: 7 of 1,614,046 alleles (0.00043%); highest among the groups gnomAD compares: African/African-American, 0.0027%; no homozygotes.

Submission:

PreventionGenetics, part of Exact Sciences
Classification: Likely benign for TJP2-related condition. Last evaluated: 2025-11-11. Review status: criteria provided, single submitter. Criteria: ACMG Guidelines, 2015. Collection method: clinical testing. Allele origin: germline.
Comment: This variant is classified as likely benign based on ACMG/AMP sequence variant interpretation guidelines (Richards et al. 2015 PMID: 25741868, with internal and published modifications).

NM_004817.4(TJP2):c.2790C>T (p.Gly930=)

Gene: TJP2 (tight junction protein 2; plus strand). Cytogenetic location: 9q21.11.
Variant type: single nucleotide variant.
Coding change: c.2790C>T on transcript NM_004817.4 (MANE Select); coding-DNA position 2790, C replaced by T.
Protein change: p.Gly930=; no amino-acid change (glycine 930 retained).
Molecular consequence: synonymous variant. On other transcripts: intron variant (1).
Genome position (GRCh38, 1-based): chr9:69,248,134, C>T. VCF-style: chr9-69248134-C-T. GRCh37 (hg19) VCF-style: chr9-71863050-C-T.
Other names: c.2721C>T, p.Gly907= (NM_001170414.2, NM_001369871.1); c.2802C>T, p.Gly934= (NM_001170415.1, NM_001369874.1, NM_001369875.1); c.2883C>T, p.Gly961= (NM_001170416.2); c.2715C>T, p.Gly905= (NM_001369870.1); c.2790C>T, p.Gly930= (NM_001369872.1, NM_201629.3); c.2667+1344C>T (NM_001369873.1).
Identifiers: ClinVar variation 4986522 (VCV004986522.1).